The following is an entry in ClinVar:

ClinVar aggregate classification (germline): Uncertain significance. Review status: criteria provided, multiple submitters, no conflicts (2 of 4 stars). 2 submissions from 2 submitters: Uncertain significance (2). Last evaluated 2025-08-29.

Allele frequency attached by ClinVar (database versions not stated): gnomAD exomes 0.00013; gnomAD 0.00084; TOPMed 0.00082; 1000 Genomes Project 30x 0.00203; ESP Exome Variant Server 0.00016; 1000 Genomes Project 0.00200; ExAC 0.00042.
gnomAD v4.1: 331 of 1,584,604 alleles (0.021%); highest among the groups gnomAD compares: African/African-American, 0.26%; 1 homozygote.

Submissions (2):

Ambry Genetics
Classification: Uncertain significance. Last evaluated: 2025-08-29. Review status: criteria provided, single submitter. Criteria: Ambry Variant Classification Scheme 2023. Collection method: clinical testing. Allele origin: germline.

Mayo Clinic Laboratories, Mayo Clinic
Classification: Uncertain significance. Last evaluated: 2025-05-22. Review status: criteria provided, single submitter. Criteria: ACMG Guidelines, 2015. Collection method: clinical testing. Allele origin: germline. Observed: 1 variant allele.
Comment: BP4_moderate

Literature cited by the submitters: PubMed 35982159 (cited by Mayo Clinic Laboratories, Mayo Clinic).

NM_001098816.3(TENM4):c.2515G>A (p.Gly839Ser)

Gene: TENM4 (teneurin transmembrane protein 4; minus strand). Cytogenetic location: 11q14.1.
Variant type: single nucleotide variant.
Coding change: c.2515G>A on transcript NM_001098816.3 (MANE Select); coding-DNA position 2515, G replaced by A.
Protein change: p.Gly839Ser; replaces glycine 839 with serine.
Molecular consequence: missense variant.
Genome position (GRCh38, 1-based): chr11:78,771,016, C>T on the plus strand (G>A on the coding strand, the complement: TENM4 is on the minus strand). VCF-style: chr11-78771016-C-T. GRCh37 (hg19) VCF-style: chr11-78482061-C-T.
Other names: p.Gly839Ser; short protein forms G839S.
Identifiers: ClinVar variation 2461010 (VCV002461010.4), dbSNP rs200778282, ClinGen allele CA6207277.